The following is an entry in ClinVar:

NM_000037.4(ANK1):c.68del (p.Gly23fs)

Gene: ANK1 (ankyrin 1; minus strand). Cytogenetic location: 8p11.21.
Variant type: Deletion.
Coding change: c.68del on transcript NM_000037.4 (MANE Select); coding-DNA position 68, one base deleted (G; older notation c.68delG).
Protein change: p.Gly23fs; shifts the reading frame from glycine 23.
Molecular consequence: frameshift variant.
Genome position (GRCh38, 1-based): chr8:41,758,097, C deleted on the plus strand (G on the coding strand, the reverse complement: ANK1 is on the minus strand); the first of 2 consecutive C bases (chr8:41,758,097-41,758,098); deleting either gives the same sequence. VCF-style (leftmost placement, unchanged base first): chr8-41758096-AC-A. GRCh37 (hg19) VCF-style: chr8-41615614-AC-A.
Other names: c.167del, p.Gly56fs (NM_001142446.2); c.68del, p.Gly23fs (NM_020475.3, NM_020476.3, NM_020477.3); short protein forms G23fs, G56fs.
Identifiers: ClinVar variation 4727550 (VCV004727550.1).

ClinVar aggregate classification (germline): Pathogenic (1 of 4 stars; one submission).

Submission:

Labcorp Genetics (formerly Invitae), Labcorp
Classification: Pathogenic. Last evaluated: 2025-09-21. Review status: criteria provided, single submitter. Criteria: Invitae Variant Classification Sherloc (09022015). Collection method: clinical testing. Allele origin: germline.
Comment: This sequence change creates a premature translational stop signal (p.Gly23Valfs*14) in the ANK1 gene. It is expected to result in an absent or disrupted protein product. Loss-of-function variants in ANK1 are known to be pathogenic (PMID: 8640229). This variant is not present in population databases (gnomAD no frequency). This variant has not been reported in the literature in individuals affected with ANK1-related conditions. For these reasons, this variant has been classified as Pathogenic.

Literature cited by the submitters: PubMed 8640229.